The following is an entry in ClinVar:

ClinVar aggregate classification (germline): Benign. Review status: criteria provided, multiple submitters, no conflicts (2 of 4 stars). 7 submissions from 7 submitters: Benign (7). Last evaluated 2026-02-03.

Conditions:
Congenital dyserythropoietic anemia, type II (CDAN2). Also called: DYSERYTHROPOIETIC ANEMIA, HEMPAS TYPE. Identifiers: Orphanet 98873, MedGen C1306589, MONDO:0009134, OMIM 224100.
Cowden syndrome 7 (CWS7). Identifiers: Orphanet 201, MedGen C4225179, MONDO:0014802, OMIM 616858.

Allele frequency attached by ClinVar (database versions not stated): gnomAD exomes 0.00313 and 0.00831; ExAC 0.01023; gnomAD 0.03022 and 0.03235; 1000 Genomes Project 0.03375; TOPMed 0.03447; ESP Exome Variant Server 0.03583; 1000 Genomes Project 30x 0.03638.
gnomAD v4.1: 9,422 of 1,614,108 alleles (0.58%); highest among the groups gnomAD compares: African/African-American, 10%; 390 homozygotes.

Submissions (7):

Labcorp Genetics (formerly Invitae), Labcorp
Classification: Benign for Congenital dyserythropoietic anemia, type II; Cowden syndrome 7. Last evaluated: 2026-02-03. Review status: criteria provided, single submitter. Criteria: Invitae Variant Classification Sherloc (09022015). Collection method: clinical testing. Allele origin: germline.

ARUP Laboratories, Molecular Genetics and Genomics, ARUP Laboratories
Classification: Benign. Last evaluated: 2025-07-25. Review status: criteria provided, single submitter. Criteria: ARUP Molecular Germline Variant Investigation Process 2024. Collection method: clinical testing. Allele origin: germline.

GeneDx
Classification: Benign. Last evaluated: 2021-05-06. Review status: criteria provided, single submitter. Criteria: GeneDx Variant Classification Process June 2021. Collection method: clinical testing. Allele origin: germline. Affected: yes.

Illumina Laboratory Services, Illumina
Classification: Benign for Congenital dyserythropoietic anemia, type II. Last evaluated: 2018-01-13. Review status: criteria provided, single submitter. Criteria: ICSL Variant Classification Criteria 13 December 2019. Collection method: clinical testing. Allele origin: germline.
Comment: This variant was observed in the ICSL laboratory as part of a predisposition screen in an ostensibly healthy population. It had not been previously curated by ICSL or reported in the Human Gene Mutation Database (HGMD: prior to June 1st, 2018), and was therefore a candidate for classification through an automated scoring system. Utilizing variant allele frequency, disease prevalence and penetrance estimates, and inheritance mode, an automated score was calculated to assess if this variant is too frequent to cause the disease. Based on the score and internal cut-off values, a variant classified as benign is not then subjected to further curation. The score for this variant resulted in a classification of benign for this disease.

Mayo Clinic Laboratories, Mayo Clinic
Classification: Benign. Last evaluated: 2016-08-05. Review status: criteria provided, single submitter. Criteria: ACMG Guidelines, 2015. Collection method: clinical testing. Allele origin: germline. Observed: 84 variant alleles.

Eurofins Ntd Llc (ga)
Classification: Benign. Last evaluated: 2013-02-05. Review status: criteria provided, single submitter. Criteria: EGL Classification Definitions 2015. Collection method: clinical testing. Allele origin: germline. Observed: 2 variant alleles, 2 heterozygotes.

Breakthrough Genomics
Classification: Benign. Review status: criteria provided, single submitter. Criteria: ACMG Guidelines, 2015. Collection method: not provided. Allele origin: germline. Inheritance: Autosomal recessive inheritance. Affected: yes.

NM_006363.6(SEC23B):c.2061G>T (p.Leu687=)

Gene: SEC23B (SEC23 homolog B, COPII component; plus strand). Cytogenetic location: 20p11.23.
Variant type: single nucleotide variant.
Coding change: c.2061G>T on transcript NM_006363.6 (MANE Select); coding-DNA position 2061, G replaced by T.
Protein change: p.Leu687=; no amino-acid change (leucine 687 retained).
Molecular consequence: synonymous variant.
Genome position (GRCh38, 1-based): chr20:18,554,303, G>T. VCF-style: chr20-18554303-G-T. GRCh37 (hg19) VCF-style: chr20-18534947-G-T.
Other names: p.Leu687=; c.2061G>T, p.Leu687= (NM_001172745.3, NM_032985.6, NM_032986.5); c.2007G>T, p.Leu669= (NM_001172746.3).
Identifiers: ClinVar variation 95386 (VCV000095386.37), dbSNP rs7262532, ClinGen allele CA148507.
Genomic context (GRCh38, chr20:18,554,303, plus strand): 5'-CCAGTGGCGTAAAGCTGGCTACCAGGACATGCCCGAGTATGAAAACTTCAAGCACCTTCT[G>T]CAGGCACCACTGGATGATGCTCAAGAAATTCTGCAAGCACGCTTCCCGATGCCACGTTAC-3'
Protein context (NP_006354.2, residues 677-697): MPEYENFKHL[Leu687=]QAPLDDAQEI